The following is an entry in ClinVar:

NM_004958.4(MTOR):c.3271A>C (p.Ile1091Leu)

Gene: MTOR (mechanistic target of rapamycin kinase; minus strand). Cytogenetic location: 1p36.22.
Variant type: single nucleotide variant.
Coding change: c.3271A>C on transcript NM_004958.4 (MANE Select); coding-DNA position 3271, A replaced by C.
Protein change: p.Ile1091Leu; replaces isoleucine 1091 with leucine.
Molecular consequence: missense variant.
Genome position (GRCh38, 1-based): chr1:11,213,413, T>G on the plus strand (A>C on the coding strand, the complement: MTOR is on the minus strand). VCF-style: chr1-11213413-T-G. GRCh37 (hg19) VCF-style: chr1-11273470-T-G.
Other names: c.3271A>C, p.Ile1091Leu (NM_001386500.1); c.2023A>C, p.Ile675Leu (NM_001386501.1); short protein forms I1091L, I675L.
Identifiers: ClinVar variation 3347226 (VCV003347226.1).

ClinVar aggregate classification (germline): Uncertain significance (0 of 4 stars; one submission).

Conditions:
MTOR-related disorder. Also called: MTOR-related condition.

gnomAD v4.1: 2 of 1,612,240 alleles (0.00012%); highest among the groups gnomAD compares: Non-Finnish European, 0.00017%; no homozygotes.

Submission:

PreventionGenetics, part of Exact Sciences
Classification: Uncertain significance for MTOR-related condition. Last evaluated: 2024-06-20. Review status: no assertion criteria provided. Collection method: clinical testing. Allele origin: germline.
Comment: The MTOR c.3271A>C variant is predicted to result in the amino acid substitution p.Ile1091Leu. To our knowledge, this variant has not been reported in the literature or in a large population database, indicating this variant is rare. At this time, the clinical significance of this variant is uncertain due to the absence of conclusive functional and genetic evidence.